The following is an entry in ClinVar:

ClinVar aggregate classification (germline): Uncertain significance. Review status: criteria provided, multiple submitters, no conflicts (2 of 4 stars). 2 submissions from 2 submitters: Uncertain significance (2). Last evaluated 2023-11-08.

Conditions:
Costello syndrome (CSTLO). Also called: HRAS-Related Costello Syndrome; FACIOCUTANEOSKELETAL SYNDROME; FCS SYNDROME. Identifiers: Orphanet 3071, MedGen C0587248, MONDO:0009026, OMIM 218040.

Allele frequency attached by ClinVar (database versions not stated): TOPMed below 0.00001; ExAC 0.00001; gnomAD exomes 0.00001.
gnomAD v4.1: 18 of 1,613,018 alleles (0.0011%); highest among the groups gnomAD compares: Non-Finnish European, 0.0015%; no homozygotes.

Submissions (2):

Labcorp Genetics (formerly Invitae), Labcorp
Classification: Uncertain significance for Costello syndrome. Last evaluated: 2023-11-08. Review status: criteria provided, single submitter. Criteria: Invitae Variant Classification Sherloc (09022015). Collection method: clinical testing. Allele origin: germline.
Comment: This sequence change replaces proline, which is neutral and non-polar, with leucine, which is neutral and non-polar, at codon 179 of the HRAS protein (p.Pro179Leu). This variant is present in population databases (rs760429548, gnomAD 0.002%). This variant has not been reported in the literature in individuals affected with HRAS-related conditions. ClinVar contains an entry for this variant (Variation ID: 1052272). Advanced modeling of protein sequence and biophysical properties (such as structural, functional, and spatial information, amino acid conservation, physicochemical variation, residue mobility, and thermodynamic stability) performed at Invitae indicates that this missense variant is not expected to disrupt HRAS protein function with a negative predictive value of 95%. In summary, the available evidence is currently insufficient to determine the role of this variant in disease. Therefore, it has been classified as a Variant of Uncertain Significance.

GeneDx
Classification: Uncertain significance. Last evaluated: 2022-01-25. Review status: criteria provided, single submitter. Criteria: GeneDx Variant Classification Process June 2021. Collection method: clinical testing. Allele origin: germline. Affected: yes.
Comment: Has not been previously published as pathogenic or benign to our knowledge; In silico analysis supports that this missense variant does not alter protein structure/function; Missense variants in this gene are often considered pathogenic (HGMD)

NM_005343.4(HRAS):c.536C>T (p.Pro179Leu)

Genes: LRRC56 (leucine rich repeat containing 56; plus strand), HRAS (HRas proto-oncogene, GTPase; minus strand). Cytogenetic location: 11p15.5.
Variant type: single nucleotide variant.
Coding change: c.536C>T on transcript NM_005343.4 (MANE Select); coding-DNA position 536, C replaced by T.
Protein change: p.Pro179Leu; replaces proline 179 with leucine.
Molecular consequence: missense variant. On other transcripts: 3 prime UTR variant (1).
Genome position (GRCh38, 1-based): chr11:532,670, G>A on the plus strand (C>T on the coding strand, the complement: HRAS is on the minus strand). VCF-style: chr11-532670-G-A. GRCh37 (hg19) VCF-style: chr11-532670-G-A.
Other names: c.536C>T, p.Pro179Leu (NM_001130442.3); c.299C>T, p.Pro100Leu (NM_001318054.2); c.*105C>T (NM_176795.5); short protein forms P100L, P179L.
Identifiers: ClinVar variation 1052272 (VCV001052272.8), dbSNP rs760429548, ClinGen allele CA5779212.